The following is an entry in ClinVar:

NM_012213.3(MLYCD):c.237_269delinsGTAGA (p.Glu80_Arg90delinsTer)

Gene: MLYCD (malonyl-CoA decarboxylase; plus strand). Cytogenetic location: 16q23.3.
Variant type: Indel.
Coding change: c.237_269delinsGTAGA on transcript NM_012213.3 (MANE Select); coding-DNA positions 237 to 269, the reference bases replaced by GTAGA.
Protein change: p.Glu80_Arg90delinsTer.
Molecular consequence: nonsense.
Genome position (GRCh38, 1-based): chr16:83,899,381-83,899,413, 33 bases replaced. GRCh37 (hg19): chr16:83,932,986-83,933,018.
Identifiers: ClinVar variation 3375038 (VCV003375038.2).

ClinVar aggregate classification (germline): Pathogenic/Likely pathogenic. Review status: criteria provided, multiple submitters, no conflicts (2 of 4 stars). 2 submissions from 2 submitters: Pathogenic (1); Likely pathogenic (1). Last evaluated 2024-09-05.

Conditions:
Deficiency of malonyl-CoA decarboxylase. Also called: Malonic aciduria; MCD deficiency. Identifiers: Orphanet 943, MedGen C0342793, MONDO:0009556, OMIM 248360.

Submissions (2):

Women's Health and Genetics/Laboratory Corporation of America, LabCorp
Classification: Pathogenic for Deficiency of malonyl-CoA decarboxylase. Last evaluated: 2024-09-05. Review status: criteria provided, single submitter. Criteria: LabCorp Variant Classification Summary - May 2015. Collection method: clinical testing. Allele origin: germline.
Comment: Variant summary: MLYCD c.237_269delinsGTAGA (p.Glu80X) results in a premature termination codon, predicted to cause a truncation of the encoded protein or absence of the protein due to nonsense mediated decay, which are commonly known mechanisms for disease. The variant was absent in 1527022 control chromosomes. To our knowledge, no occurrence of c.237_269delinsGTAGA in individuals affected with Deficiency Of Malonyl-CoA Decarboxylase and no experimental evidence demonstrating its impact on protein function have been reported. No submitters have cited clinical-significance assessments for this variant to ClinVar. Based on the evidence outlined above, the variant was classified as pathogenic.

Fulgent Genetics
Classification: Likely pathogenic for Deficiency of malonyl-CoA decarboxylase. Last evaluated: 2024-06-23. Review status: criteria provided, single submitter. Criteria: ACMG Guidelines, 2015. Collection method: clinical testing. Allele origin: germline.